The following is an entry in ClinVar:

ClinVar aggregate classification (germline): Likely benign (1 of 4 stars; one submission).

Submission:

GeneDx
Classification: Likely benign. Last evaluated: 2018-06-14. Review status: criteria provided, single submitter. Criteria: GeneDx Variant Classification (06012015). Collection method: clinical testing. Allele origin: germline. Affected: yes.
Comment: This variant is considered likely benign or benign based on one or more of the following criteria: it is a conservative change, it occurs at a poorly conserved position in the protein, it is predicted to be benign by multiple in silico algorithms, and/or has population frequency not consistent with disease.

NM_000393.5(COL5A2):c.337-212dup

Gene: COL5A2 (collagen type V alpha 2 chain; minus strand). Cytogenetic location: 2q32.2.
Variant type: Duplication.
Coding change: c.337-212dup on transcript NM_000393.5 (MANE Select); 212 bases into the intron before coding-DNA position 337, one base duplicated (T; older notation c.337-212dupT).
Molecular consequence: intron variant.
Genome position (GRCh38, 1-based): chr2:189,100,345, A duplicated on the plus strand (T on the coding strand, the reverse complement: COL5A2 is on the minus strand); the first of 7 consecutive A bases (chr2:189,100,345-189,100,351); duplicating any one gives the same sequence. VCF-style (leftmost placement, unchanged base first): chr2-189100344-T-TA. GRCh37 (hg19) VCF-style: chr2-189965070-T-TA.
Identifiers: ClinVar variation 675829 (VCV000675829.1), dbSNP rs143135434, ClinGen allele CA62579152.
Genomic context (GRCh38, chr2:189,100,344, plus strand): 5'-ATTTTTAGGATATTTAGTCAGATATTACTCATTAAAATATTACTGCTCACCTGAAAGACA[T>TA]AAAAAAATCCAGCGTGTGAAATATGTAAAGCTATTTTGCTTCAGTTTCCACATAGATCAA-3'